The following is an entry in ClinVar:

NM_004006.3(DMD):c.9769A>G (p.Ser3257Gly)

Gene: DMD (dystrophin; minus strand). Cytogenetic location: Xp21.2.
Variant type: single nucleotide variant.
Coding change: c.9769A>G on transcript NM_004006.3 (MANE Select); coding-DNA position 9769, A replaced by G.
Protein change: p.Ser3257Gly; replaces serine 3257 with glycine.
Molecular consequence: missense variant.
Genome position (GRCh38, 1-based): chrX:31,203,999, T>C on the plus strand (A>G on the coding strand, the complement: DMD is on the minus strand). VCF-style: chrX-31203999-T-C. GRCh37 (hg19) VCF-style: chrX-31222116-T-C.
Other names: c.9745A>G, p.Ser3249Gly (NM_000109.4); c.9757A>G, p.Ser3253Gly (NM_004009.3); c.9400A>G, p.Ser3134Gly (NM_004010.3); c.5746A>G, p.Ser1916Gly (NM_004011.4); c.5737A>G, p.Ser1913Gly (NM_004012.4); c.2389A>G, p.Ser797Gly (NM_004013.3, NM_004020.4, NM_004021.3 and 2 more transcripts); c.1582A>G, p.Ser528Gly (NM_004014.3); c.565A>G, p.Ser189Gly (NM_004015.3, NM_004016.3, NM_004017.3 and 2 more transcripts); short protein forms S3249G, S1913G, S3134G, S1916G, S3253G, S3257G, S797G, S189G.
Identifiers: ClinVar variation 1407379 (VCV001407379.8), dbSNP rs2148540671, ClinGen allele CA412648432.

ClinVar aggregate classification (germline): Uncertain significance (1 of 4 stars; one submission).

Conditions:
Duchenne muscular dystrophy (DMD). Also called: MUSCULAR DYSTROPHY, PSEUDOHYPERTROPHIC PROGRESSIVE, DUCHENNE TYPE; Duchenne Muscular Dystrophy (DMD). Identifiers: Orphanet 98896, MedGen C0013264, MONDO:0010679, OMIM 310200.

Submission:

Labcorp Genetics (formerly Invitae), Labcorp
Classification: Uncertain significance for Duchenne muscular dystrophy. Last evaluated: 2021-07-21. Review status: criteria provided, single submitter. Criteria: Invitae Variant Classification Sherloc (09022015). Collection method: clinical testing. Allele origin: germline.
Comment: In summary, the available evidence is currently insufficient to determine the role of this variant in disease. Therefore, it has been classified as a Variant of Uncertain Significance. Algorithms developed to predict the effect of missense changes on protein structure and function are either unavailable or do not agree on the potential impact of this missense change (SIFT: "Deleterious"; PolyPhen-2: "Benign"; Align-GVGD: "Class C55"). This variant has not been reported in the literature in individuals affected with DMD-related conditions. This variant is not present in population databases (ExAC no frequency). This sequence change replaces serine with glycine at codon 3257 of the DMD protein (p.Ser3257Gly). The serine residue is highly conserved and there is a small physicochemical difference between serine and glycine.